The following is an entry in ClinVar:

NM_004946.3(DOCK2):c.1023T>G (p.Asp341Glu)

Gene: DOCK2 (dedicator of cytokinesis 2; plus strand). Cytogenetic location: 5q35.1.
Variant type: single nucleotide variant.
Coding change: c.1023T>G on transcript NM_004946.3 (MANE Select); coding-DNA position 1023, T replaced by G.
Protein change: p.Asp341Glu; replaces aspartic acid 341 with glutamic acid.
Molecular consequence: missense variant. On other transcripts: non-coding transcript variant (1).
Genome position (GRCh38, 1-based): chr5:169,698,417, T>G. VCF-style: chr5-169698417-T-G. GRCh37 (hg19) VCF-style: chr5-169125421-T-G.
Other names: short protein forms D341E.
Identifiers: ClinVar variation 955751 (VCV000955751.8), dbSNP rs368378335, ClinGen allele CA3553338.
Genomic context (GRCh38, chr5:169,698,417, plus strand): 5'-TTCTGTCTTCTTTCTAGTTATGGATATAACAGACATCATCAAGGGGAAAGCAGAGAGTGA[T>G]GAAGAAAAGCAGCACTTCATTCCTTTTCACCCGTAAGACATTTCCCATTTCTTTCCATTC-3'
Protein context (NP_004937.1, residues 331-351): TDIIKGKAES[Asp341Glu]EEKQHFIPFH

ClinVar aggregate classification (germline): Uncertain significance. Review status: criteria provided, multiple submitters, no conflicts (2 of 4 stars). 3 submissions from 3 submitters: Uncertain significance (3). Last evaluated 2022-06-10.

Conditions:
Inborn genetic diseases. Identifiers: MedGen C0950123, MeSH D030342.
DOCK2 deficiency. Also called: Immunodeficiency 40. Identifiers: Orphanet 447737, MedGen C4225328, MONDO:0014637, OMIM 616433.

Allele frequency attached by ClinVar (database versions not stated): gnomAD 0.00006 and 0.00009; ESP Exome Variant Server 0.00008; TOPMed 0.00011.
gnomAD v4.1: 34 of 1,614,010 alleles (0.0021%); highest among the groups gnomAD compares: African/African-American, 0.044%; no homozygotes.

Submissions (3):

Labcorp Genetics (formerly Invitae), Labcorp
Classification: Uncertain significance for DOCK2 deficiency. Last evaluated: 2022-06-10. Review status: criteria provided, single submitter. Criteria: Invitae Variant Classification Sherloc (09022015). Collection method: clinical testing. Allele origin: germline.
Comment: This sequence change replaces aspartic acid, which is acidic and polar, with glutamic acid, which is acidic and polar, at codon 341 of the DOCK2 protein (p.Asp341Glu). This variant is present in population databases (rs368378335, gnomAD 0.03%). This variant has not been reported in the literature in individuals affected with DOCK2-related conditions. ClinVar contains an entry for this variant (Variation ID: 955751). Algorithms developed to predict the effect of missense changes on protein structure and function are either unavailable or do not agree on the potential impact of this missense change (SIFT: "Tolerated"; PolyPhen-2: "Possibly Damaging"; Align-GVGD: "Class C0"). In summary, the available evidence is currently insufficient to determine the role of this variant in disease. Therefore, it has been classified as a Variant of Uncertain Significance.

Blueprint Genetics
Classification: Uncertain significance. Last evaluated: 2022-01-24. Review status: criteria provided, single submitter. Criteria: ACMG Guidelines, 2015. Collection method: clinical testing. Allele origin: germline.

Ambry Genetics
Classification: Uncertain significance for Inborn genetic diseases. Last evaluated: 2021-10-14. Review status: criteria provided, single submitter. Criteria: Ambry Variant Classification Scheme 2023. Collection method: clinical testing. Allele origin: germline.